The following is an entry in ClinVar:

NM_000400.4(ERCC2):c.1180_1181del (p.Phe394fs)

Gene: ERCC2 (ERCC excision repair 2, TFIIH core complex helicase subunit; minus strand). Cytogenetic location: 19q13.32.
Variant type: Deletion.
Coding change: c.1180_1181del on transcript NM_000400.4 (MANE Select); coding-DNA positions 1180 to 1181, 2 bases deleted (TT; older notation c.1180_1181delTT).
Protein change: p.Phe394fs; shifts the reading frame from phenylalanine 394.
Molecular consequence: frameshift variant. On other transcripts: non-coding transcript variant (3).
Genome position (GRCh38, 1-based): chr19:45,361,580-45,361,581, AA deleted on the plus strand (TT on the coding strand, the reverse complement: ERCC2 is on the minus strand). VCF-style (leftmost placement, unchanged base first): chr19-45361579-GAA-G. GRCh37 (hg19) VCF-style: chr19-45864837-GAA-G.
Other names: c.1108_1109del, p.Phe370fs (NM_001130867.2, NM_001440355.1); c.1102_1103del, p.Phe368fs (NM_001440356.1); c.1057_1058del, p.Phe353fs (NM_001440357.1); short protein forms F353fs, F368fs, F370fs, F394fs.
Identifiers: ClinVar variation 5014564 (VCV005014564.1).

ClinVar aggregate classification (germline): Pathogenic (1 of 4 stars; one submission).

Conditions:
ERCC2-related disorder. Also called: ERCC2-related conditions; ERCC2-related condition; ERCC2-related disorders. Identifiers: MedGen CN239291.

Submission:

Myriad Genetics, Inc.
Classification: Pathogenic for ERCC2-related disorder. Last evaluated: 2025-06-09. Review status: criteria provided, single submitter. Criteria: Myriad Autosomal Dominant, Autosomal Recessive and X-Linked Classification Criteria (2023). Collection method: clinical testing. Allele origin: unknown.
Comment: NM_000400.3(ERCC2):c.1180_1181delTT(F394Lfs*8) is expected to be pathogenic in the context of ERCC2-related disorders. This variant is predicted to lead to an abnormal or absent protein product due to the creation of a premature termination codon in ERCC2, a gene where loss-of-function variants are known to be pathogenic. Please note: this variant was assessed in the context of healthy population screening.